The following is an entry in ClinVar:

ClinVar aggregate classification (germline): Benign/Likely benign. Review status: criteria provided, multiple submitters, no conflicts (2 of 4 stars). 11 submissions from 11 submitters: Benign (3); Likely benign (5). 3 of the submissions do not count toward it. Last evaluated 2026-09-01.

Conditions:
CNTNAP2-related disorder. Also called: CNTNAP2-related condition.
Inborn genetic diseases. Identifiers: MedGen C0950123, MeSH D030342.
Cortical dysplasia-focal epilepsy syndrome (PTHSL1). Also called: Pitt-Hopkins-like syndrome 1. Identifiers: Orphanet 163681, Orphanet 221150, MedGen C2750246, MONDO:0012400, OMIM 610042.

Allele frequency attached by ClinVar (database versions not stated): gnomAD 0.00236; 1000 Genomes Project 30x 0.00172; 1000 Genomes Project 0.00180; ESP Exome Variant Server 0.00223; TOPMed 0.00309.
gnomAD v4.1: 3,382 of 1,613,666 alleles (0.21%); highest among the groups gnomAD compares: Admixed American, 0.4%; 10 homozygotes.

Submissions (11):

CeGaT Center for Human Genetics Tuebingen
Classification: Likely benign. Last evaluated: 2026-09-01. Review status: criteria provided, single submitter. Criteria: CeGaT Center For Human Genetics Tuebingen Variant Classification Criteria Version 2. Collection method: clinical testing. Allele origin: germline. Affected: yes. Observed: 14 variant alleles.
Comment: CNTNAP2: BP4, BP7

Labcorp Genetics (formerly Invitae), Labcorp
Classification: Benign for Cortical dysplasia-focal epilepsy syndrome. Last evaluated: 2026-02-02. Review status: criteria provided, single submitter. Criteria: Invitae Variant Classification Sherloc (09022015). Collection method: clinical testing. Allele origin: germline.

Ambry Genetics
Classification: Likely benign for Inborn genetic diseases. Last evaluated: 2025-06-19. Review status: criteria provided, single submitter. Criteria: Ambry Variant Classification Scheme 2023. Collection method: clinical testing. Allele origin: germline.

Blueprint Genetics
Classification: Likely benign. Last evaluated: 2024-11-21. Review status: criteria provided, single submitter. Criteria: ACMG Guidelines, 2015. Collection method: clinical testing. Allele origin: germline.

Illumina Laboratory Services, Illumina
Classification: Likely benign for Cortical dysplasia-focal epilepsy syndrome. Last evaluated: 2018-01-13. Review status: criteria provided, single submitter. Criteria: ICSL Variant Classification Criteria 13 December 2019. Collection method: clinical testing. Allele origin: germline.
Comment: This variant was observed in the ICSL laboratory as part of a predisposition screen in an ostensibly healthy population. It had not been previously curated by ICSL or reported in the Human Gene Mutation Database (HGMD: prior to June 1st, 2018), and was therefore a candidate for classification through an automated scoring system. Utilizing variant allele frequency, disease prevalence and penetrance estimates, and inheritance mode, an automated score was calculated to assess if this variant is too frequent to cause the disease. Based on the score and internal cut-off values, a variant classified as likely benign is not then subjected to further curation. The score for this variant resulted in a classification of likely benign for this disease.

Eurofins Ntd Llc (ga)
Classification: Benign. Last evaluated: 2016-01-07. Review status: criteria provided, single submitter. Criteria: EGL Classification Definitions 2015. Collection method: clinical testing. Allele origin: germline. Observed: 2 variant alleles, 2 heterozygotes.

Genetic Services Laboratory, University of Chicago
Classification: Likely benign. Last evaluated: 2015-06-30. Review status: criteria provided, single submitter. Criteria: ACMG Guidelines, 2015. Collection method: clinical testing. Allele origin: germline.

GeneDx
Classification: Benign. Last evaluated: 2013-01-21. Review status: criteria provided, single submitter. Criteria: GeneDx Variant Classification (06012015). Collection method: clinical testing. Allele origin: germline. Affected: yes.
Comment: This variant is considered likely benign or benign based on one or more of the following criteria: it is a conservative change, it occurs at a poorly conserved position in the protein, it is predicted to be benign by multiple in silico algorithms, and/or has population frequency not consistent with disease.

PreventionGenetics, part of Exact Sciences
Classification: Likely benign for CNTNAP2-related condition. Last evaluated: 2021-03-09. Review status: no assertion criteria provided. Collection method: clinical testing. Allele origin: germline. Not counted in ClinVar's aggregate classification.
Comment: This variant is classified as likely benign based on ACMG/AMP sequence variant interpretation guidelines (Richards et al. 2015 PMID: 25741868, with internal and published modifications).

Clinical Genetics DNA and cytogenetics Diagnostics Lab, Erasmus MC, Erasmus Medical Center
Classification: Likely benign. Review status: no assertion criteria provided. Collection method: clinical testing. Allele origin: germline. Affected: yes. Study: VKGL Data-share Consensus. Not counted in ClinVar's aggregate classification.

Genome Diagnostics Laboratory, University Medical Center Utrecht
Classification: Likely benign. Review status: no assertion criteria provided. Collection method: clinical testing. Allele origin: germline. Affected: yes. Study: VKGL Data-share Consensus. Not counted in ClinVar's aggregate classification.

NM_014141.6(CNTNAP2):c.681C>T (p.His227=)

Gene: CNTNAP2 (contactin associated protein 2; plus strand). Cytogenetic location: 7q35.
Variant type: single nucleotide variant.
Coding change: c.681C>T on transcript NM_014141.6 (MANE Select); coding-DNA position 681, C replaced by T.
Protein change: p.His227=; no amino-acid change (histidine 227 retained).
Molecular consequence: synonymous variant.
Genome position (GRCh38, 1-based): chr7:147,108,277, C>T. VCF-style: chr7-147108277-C-T. GRCh37 (hg19) VCF-style: chr7-146805369-C-T.
Other names: p.H227H:CAC>CAT.
Identifiers: ClinVar variation 95577 (VCV000095577.89), dbSNP rs142984073, ClinGen allele CA223109.